The following is an entry in ClinVar:

ClinVar aggregate classification (germline): Uncertain significance. Review status: criteria provided, multiple submitters, no conflicts (2 of 4 stars). 2 submissions from 2 submitters: Uncertain significance (2). Last evaluated 2025-09-20.

Conditions:
Gastrointestinal stromal tumor. Also called: Gastrointestinal stroma tumor; Gastrointestinal stromal tumor, somatic. Identifiers: Orphanet 44890, MedGen C0238198, MeSH D046152, MONDO:0011719, OMIM 606764, HP:0100723.
Hereditary cancer-predisposing syndrome. Also called: Hereditary neoplastic syndrome; Tumor predisposition; Hereditary Cancer Syndrome; Neoplastic Syndromes, Hereditary. Identifiers: Orphanet 140162, MedGen C0027672, MeSH D009386, MONDO:0015356.

Allele frequency attached by ClinVar (database versions not stated): TOPMed 0.00001.

Submissions (2):

Labcorp Genetics (formerly Invitae), Labcorp
Classification: Uncertain significance for Gastrointestinal stromal tumor. Last evaluated: 2025-09-20. Review status: criteria provided, single submitter. Criteria: Invitae Variant Classification Sherloc (09022015). Collection method: clinical testing. Allele origin: germline.
Comment: This sequence change replaces histidine, which is basic and polar, with arginine, which is basic and polar, at codon 162 of the PDGFRA protein (p.His162Arg). This variant is not present in population databases (gnomAD no frequency). This variant has not been reported in the literature in individuals affected with PDGFRA-related conditions. ClinVar contains an entry for this variant (Variation ID: 1483530). Invitae Evidence Modeling of protein sequence and biophysical properties (such as structural, functional, and spatial information, amino acid conservation, physicochemical variation, residue mobility, and thermodynamic stability) indicates that this missense variant is not expected to disrupt PDGFRA protein function with a negative predictive value of 80%. In summary, the available evidence is currently insufficient to determine the role of this variant in disease. Therefore, it has been classified as a Variant of Uncertain Significance.

Ambry Genetics
Classification: Uncertain significance for Hereditary cancer-predisposing syndrome. Last evaluated: 2025-08-30. Review status: criteria provided, single submitter. Criteria: Ambry Variant Classification Scheme 2023. Collection method: clinical testing. Allele origin: germline.

NM_006206.6(PDGFRA):c.485A>G (p.His162Arg)

Gene: PDGFRA (platelet derived growth factor receptor alpha; plus strand). Cytogenetic location: 4q12.
Variant type: single nucleotide variant.
Coding change: c.485A>G on transcript NM_006206.6 (MANE Select); coding-DNA position 485, A replaced by G.
Protein change: p.His162Arg; replaces histidine 162 with arginine.
Molecular consequence: missense variant.
Genome position (GRCh38, 1-based): chr4:54,263,784, A>G. VCF-style: chr4-54263784-A-G. GRCh37 (hg19) VCF-style: chr4-55129951-A-G.
Other names: c.485A>G, p.His162Arg (NM_001347827.2, NM_001347829.2); c.560A>G, p.His187Arg (NM_001347828.2); c.524A>G, p.His175Arg (NM_001347830.2); short protein forms H162R, H187R, H175R.
Identifiers: ClinVar variation 1483530 (VCV001483530.11), dbSNP rs916537173, ClinGen allele CA96849104.
Genomic context (GRCh38, chr4:54,263,784, plus strand): 5'-ATGATGATTCTGCCATTATACCTTGTCGCACAACTGATCCCGAGACTCCTGTAACCTTAC[A>G]CAACAGTGAGGGGGTGGTACCTGCCTCCTACGACAGCAGACAGGGCTTTAATGGGACCTT-3'
Protein context (NP_006197.1, residues 152-172): TTDPETPVTL[His162Arg]NSEGVVPASY